The following is an entry in ClinVar:

ClinVar aggregate classification (germline): Uncertain significance. Review status: criteria provided, multiple submitters, no conflicts (2 of 4 stars). 2 submissions from 2 submitters: Uncertain significance (2). Last evaluated 2024-12-25.

Conditions:
Autosomal dominant nonsyndromic hearing loss 70. Also called: Deafness, autosomal dominant 70. Identifiers: Orphanet 90635, MedGen C4310775, MONDO:0014853, OMIM 616968.

Allele frequency attached by ClinVar (database versions not stated): ExAC 0.00002; TOPMed 0.00003.
gnomAD v4.1: 16 of 1,614,212 alleles (0.00099%); highest among the groups gnomAD compares: Middle Eastern, 0.016%; no homozygotes.

Submissions (2):

Laboratory of Prof. Karen Avraham, Tel Aviv University
Classification: Uncertain significance for Autosomal dominant nonsyndromic hearing loss 70. Last evaluated: 2024-12-25. Review status: criteria provided, single submitter. Criteria: ACMG Guidelines, 2015. Collection method: research. Allele origin: germline. Affected: yes. Observed: 1 variant allele.
Comment: The MCM2 c.1684C>T:p.(Arg562Trp) heterozygous variant is extremely rare and predicted deleterious.

Ambry Genetics
Classification: Uncertain significance. Last evaluated: 2024-01-02. Review status: criteria provided, single submitter. Criteria: Ambry Variant Classification Scheme 2023. Collection method: clinical testing. Allele origin: germline.

NM_004526.4(MCM2):c.1684C>T (p.Arg562Trp)

Gene: MCM2 (minichromosome maintenance complex component 2; plus strand). Cytogenetic location: 3q21.3.
Variant type: single nucleotide variant.
Coding change: c.1684C>T on transcript NM_004526.4 (MANE Select); coding-DNA position 1684, C replaced by T.
Protein change: p.Arg562Trp; replaces arginine 562 with tryptophan.
Molecular consequence: missense variant. On other transcripts: non-coding transcript variant (1).
Genome position (GRCh38, 1-based): chr3:127,617,029, C>T. VCF-style: chr3-127617029-C-T. GRCh37 (hg19) VCF-style: chr3-127335872-C-T.
Other names: DFNA70; short protein forms R562W.
Identifiers: ClinVar variation 3124299 (VCV003124299.2), dbSNP rs767499238, ClinGen allele CA2595977.